The following is an entry in ClinVar:

ClinVar aggregate classification (germline): Pathogenic (1 of 4 stars; one submission).

Conditions:
Mitochondrial trifunctional protein deficiency. Identifiers: Orphanet 746, MedGen C1969443, MONDO:0012172.

Submission:

Labcorp Genetics (formerly Invitae), Labcorp
Classification: Pathogenic for Mitochondrial trifunctional protein deficiency. Last evaluated: 2025-10-02. Review status: criteria provided, single submitter. Criteria: Invitae Variant Classification Sherloc (09022015). Collection method: clinical testing. Allele origin: germline.
Comment: This sequence change affects the initiator codon of the HADHB mRNA. This change may impact translation initiation or efficiency. The next in-frame methionine is located at codon 75. This variant is not present in population databases (gnomAD no frequency). This variant has not been reported in the literature in individuals affected with HADHB-related conditions. This variant disrupts a region of the HADHB protein in which other variant(s) (p.Arg61His) have been determined to be pathogenic (PMID: 8651282, 12754706, 16423905). This suggests that this is a clinically significant region of the protein, and that variants that disrupt it are likely to be disease-causing. For these reasons, this variant has been classified as Pathogenic.

Literature cited by the submitters: PubMed 8651282; PubMed 12754706; PubMed 16423905.

NM_000183.3(HADHB):c.2_3insTAC (p.Met1delinsIleThr)

Gene: HADHB (hydroxyacyl-CoA dehydrogenase trifunctional multienzyme complex subunit beta; plus strand). Cytogenetic location: 2p23.3.
Variant type: Insertion.
Coding change: c.2_3insTAC on transcript NM_000183.3 (MANE Select); coding-DNA positions 2 to 3, TAC inserted.
Protein change: p.Met1delinsIleThr.
Molecular consequence: initiator codon variant. On other transcripts: 5 prime UTR variant (1).
Genome position: GRCh38 VCF-style: chr2-26254256-T-TTAC. GRCh37 (hg19) VCF-style: chr2-26477124-T-TTAC.
Other names: c.2_3insTAC, p.Met1delinsIleThr (NM_001281512.2); c.-148_-147insTAC (NM_001281513.2).
Identifiers: ClinVar variation 4776046 (VCV004776046.1).